The following is an entry in ClinVar:

NM_020461.4(TUBGCP6):c.461G>C (p.Ser154Thr)

Gene: TUBGCP6 (tubulin gamma complex component 6; minus strand). Cytogenetic location: 22q13.33.
Variant type: single nucleotide variant.
Coding change: c.461G>C on transcript NM_020461.4 (MANE Select); coding-DNA position 461, G replaced by C.
Protein change: p.Ser154Thr; replaces serine 154 with threonine.
Molecular consequence: missense variant.
Genome position (GRCh38, 1-based): chr22:50,243,999, C>G on the plus strand (G>C on the coding strand, the complement: TUBGCP6 is on the minus strand). VCF-style: chr22-50243999-C-G. GRCh37 (hg19) VCF-style: chr22-50682428-C-G.
Other names: short protein forms S154T.
Identifiers: ClinVar variation 955864 (VCV000955864.9), dbSNP rs2064883369, ClinGen allele CA412115291.

ClinVar aggregate classification (germline): Uncertain significance (1 of 4 stars; one submission).

Submission:

Labcorp Genetics (formerly Invitae), Labcorp
Classification: Uncertain significance. Last evaluated: 2024-10-25. Review status: criteria provided, single submitter. Criteria: Invitae Variant Classification Sherloc (09022015). Collection method: clinical testing. Allele origin: germline.
Comment: This sequence change replaces serine, which is neutral and polar, with threonine, which is neutral and polar, at codon 154 of the TUBGCP6 protein (p.Ser154Thr). This variant is not present in population databases (gnomAD no frequency). This variant has not been reported in the literature in individuals affected with TUBGCP6-related conditions. ClinVar contains an entry for this variant (Variation ID: 955864). An algorithm developed to predict the effect of missense changes on protein structure and function (PolyPhen-2) suggests that this variant is likely to be tolerated. In summary, the available evidence is currently insufficient to determine the role of this variant in disease. Therefore, it has been classified as a Variant of Uncertain Significance.